The following is an entry in ClinVar:

NM_000322.5(PRPH2):c.664T>A (p.Cys222Ser)

Gene: PRPH2 (peripherin 2; minus strand). Cytogenetic location: 6p21.1.
Variant type: single nucleotide variant.
Coding change: c.664T>A on transcript NM_000322.5 (MANE Select); coding-DNA position 664, T replaced by A.
Protein change: p.Cys222Ser; replaces cysteine 222 with serine.
Molecular consequence: missense variant.
Genome position (GRCh38, 1-based): chr6:42,704,529, A>T on the plus strand (T>A on the coding strand, the complement: PRPH2 is on the minus strand). VCF-style: chr6-42704529-A-T. GRCh37 (hg19) VCF-style: chr6-42672267-A-T.
Other names: short protein forms C222S.
Identifiers: ClinVar variation 1175228 (VCV001175228.1), dbSNP rs1554269053, ClinGen allele CA364135453.

ClinVar aggregate classification (germline): Uncertain significance (0 of 4 stars; one submission).

Submission:

Leiden Open Variation Database
Classification: Uncertain significance. Last evaluated: 2021-04-06. Review status: no assertion criteria provided. Collection method: curation. Allele origin: germline. Affected: yes.
Comment: Curator: Global Variome, with Curator vacancy. Submitter to LOVD: Manon Peeters.

Literature cited by the submitters: PubMed 25447119.